The following is an entry in ClinVar:

NM_001365999.1(SZT2):c.9340G>A (p.Val3114Met)

Gene: SZT2 (SZT2 subunit of KICSTOR complex; plus strand). Cytogenetic location: 1p34.2.
Variant type: single nucleotide variant.
Coding change: c.9340G>A on transcript NM_001365999.1 (MANE Select); coding-DNA position 9340, G replaced by A.
Protein change: p.Val3114Met; replaces valine 3114 with methionine.
Molecular consequence: missense variant.
Genome position (GRCh38, 1-based): chr1:43,447,598, G>A. VCF-style: chr1-43447598-G-A. GRCh37 (hg19) VCF-style: chr1-43913269-G-A.
Other names: c.9169G>A, p.Val3057Met (NM_015284.4); c.781G>A, p.Val261Met (NM_024547.1); short protein forms V3057M, V3114M, V261M.
Identifiers: ClinVar variation 2191854 (VCV002191854.4), dbSNP rs971225779, ClinGen allele CA21652498.

ClinVar aggregate classification (germline): Uncertain significance (1 of 4 stars; one submission).

Allele frequency attached by ClinVar (database versions not stated): TOPMed below 0.00001; gnomAD 0.00001; gnomAD exomes 0.00001.
gnomAD v4.1: 15 of 1,614,048 alleles (0.00093%); highest among the groups gnomAD compares: East Asian, 0.0067%; no homozygotes.

Submission:

Labcorp Genetics (formerly Invitae), Labcorp
Classification: Uncertain significance. Last evaluated: 2022-07-26. Review status: criteria provided, single submitter. Criteria: Invitae Variant Classification Sherloc (09022015). Collection method: clinical testing. Allele origin: germline.
Comment: In summary, the available evidence is currently insufficient to determine the role of this variant in disease. Therefore, it has been classified as a Variant of Uncertain Significance. This sequence change replaces valine, which is neutral and non-polar, with methionine, which is neutral and non-polar, at codon 3057 of the SZT2 protein (p.Val3057Met). This variant is present in population databases (no rsID available, gnomAD 0.003%). This variant has not been reported in the literature in individuals affected with SZT2-related conditions. Algorithms developed to predict the effect of missense changes on protein structure and function are either unavailable or do not agree on the potential impact of this missense change (SIFT: "Deleterious"; PolyPhen-2: "Probably Damaging"; Align-GVGD: "Class C0").